The following is an entry in ClinVar:

NM_019098.5(CNGB3):c.348C>G (p.Asn116Lys)

Gene: CNGB3 (cyclic nucleotide gated channel subunit beta 3; minus strand). Cytogenetic location: 8q21.3.
Variant type: single nucleotide variant.
Coding change: c.348C>G on transcript NM_019098.5 (MANE Select); coding-DNA position 348, C replaced by G.
Protein change: p.Asn116Lys; replaces asparagine 116 with lysine.
Molecular consequence: missense variant.
Genome position (GRCh38, 1-based): chr8:86,671,089, G>C on the plus strand (C>G on the coding strand, the complement: CNGB3 is on the minus strand). VCF-style: chr8-86671089-G-C. GRCh37 (hg19) VCF-style: chr8-87683317-G-C.
Other names: c.348C>G (NM_019098.4); short protein forms N116K.
Identifiers: ClinVar variation 2145706 (VCV002145706.2), dbSNP rs1477565773, ClinGen allele CA371450332.

ClinVar aggregate classification (germline): Uncertain significance. Review status: criteria provided, multiple submitters, no conflicts (2 of 4 stars). 2 submissions from 2 submitters: Uncertain significance (2). Last evaluated 2025-10-02.

Conditions:
Inborn genetic diseases. Identifiers: MedGen C0950123, MeSH D030342.

Submissions (2):

Ambry Genetics
Classification: Uncertain significance for Inborn genetic diseases. Last evaluated: 2025-10-02. Review status: criteria provided, single submitter. Criteria: Ambry Variant Classification Scheme 2023. Collection method: clinical testing. Allele origin: germline.

Labcorp Genetics (formerly Invitae), Labcorp
Classification: Uncertain significance. Last evaluated: 2022-11-01. Review status: criteria provided, single submitter. Criteria: Invitae Variant Classification Sherloc (09022015). Collection method: clinical testing. Allele origin: germline.
Comment: This sequence change replaces asparagine, which is neutral and polar, with lysine, which is basic and polar, at codon 116 of the CNGB3 protein (p.Asn116Lys). This variant is not present in population databases (gnomAD no frequency). This variant has not been reported in the literature in individuals affected with CNGB3-related conditions. Advanced modeling of protein sequence and biophysical properties (such as structural, functional, and spatial information, amino acid conservation, physicochemical variation, residue mobility, and thermodynamic stability) performed at Invitae indicates that this missense variant is not expected to disrupt CNGB3 protein function. In summary, the available evidence is currently insufficient to determine the role of this variant in disease. Therefore, it has been classified as a Variant of Uncertain Significance.